The following is an entry in ClinVar:

ClinVar aggregate classification (germline): Pathogenic/Likely pathogenic. Review status: criteria provided, multiple submitters, no conflicts (2 of 4 stars). 6 submissions from 6 submitters: Pathogenic (5); Likely pathogenic (1). Last evaluated 2026-03-06.

Conditions:
Telangiectasia, hereditary hemorrhagic, type 2 (HHT2). Also called: Telangiectasia, hereditary hemorrhagic, type II; ACVRL1-Related Hereditary Hemorrhagic Telangiectasia. Identifiers: Orphanet 774, MedGen C1838163, MONDO:0010880, OMIM 600376. Disease mechanism: loss of function.
ACVRL1-related disorder. Also called: ACVRL1-related disorders; ACVRL1-related condition.
Cardiovascular phenotype. Identifiers: MedGen CN230736.

Submissions (6):

GeneDx
Classification: Pathogenic. Last evaluated: 2026-03-06. Review status: criteria provided, single submitter. Criteria: GeneDx Variant Classification Process June 2021. Collection method: clinical testing. Allele origin: germline.
Comment: Canonical splice site variant predicted to result in a null allele in a gene for which loss of function is a known mechanism of disease; RNA studies demonstrate a damaging effect through loss of splice site (PMID: 35683441); Not observed at significant frequency in large population cohorts (gnomAD); This variant is associated with the following publications: (PMID: 35683441)

Department of Human Genetics, Hannover Medical School
Classification: Pathogenic for Telangiectasia, hereditary hemorrhagic, type 2. Last evaluated: 2025-09-29. Review status: criteria provided, single submitter. Criteria: ACMG Guidelines, 2015. Collection method: clinical testing. Allele origin: germline. Inheritance: Autosomal dominant inheritance. Affected: yes.
Comment: PVS1, PM2_Supporting, PP1_Strong

Ambry Genetics
Classification: Pathogenic for Cardiovascular phenotype. Last evaluated: 2025-05-07. Review status: criteria provided, single submitter. Criteria: Ambry Variant Classification Scheme 2023. Collection method: clinical testing. Allele origin: germline.
Comment: The c.525+1G>T intronic pathogenic mutation results from a G to T substitution one nucleotide after coding exon 3 of the ACVRL1 gene. This variant was identified in one or more individuals with features consistent with hereditary hemorrhagic telangiectasia, and segregated with disease in at least one family (Errasti D&iacute;az S et al. J Clin Med, 2022 May;11; Ambry internal data). RNA studies by one group have demonstrated that this alteration results in abnormal splicing (Errasti D&iacute;az S et al. J Clin Med, 2022 May;11). This variant is considered to be rare based on population cohorts in the Genome Aggregation Database (gnomAD). This nucleotide position is highly conserved in available vertebrate species. In silico splice site analysis predicts that this alteration will weaken the native splice donor site. Alterations that disrupt the canonical splice site are expected to cause aberrant splicing, resulting in an abnormal protein or a transcript that is subject to nonsense-mediated mRNA decay. As such, this alteration is classified as a disease-causing mutation.

ARUP Laboratories, Molecular Genetics and Genomics, ARUP Laboratories
Classification: Pathogenic for Telangiectasia, hereditary hemorrhagic, type 2. Last evaluated: 2024-05-14. Review status: criteria provided, single submitter. Criteria: ARUP Molecular Germline Variant Investigation Process 2024. Collection method: clinical testing. Allele origin: germline.
Comment: The ACVRL1 c.525+1G>T variant (rs1555152710, ClinVar Variation ID: 1076534) is reported in an individual diagnosed with HHT and the variant segregated with disease in several affected family members (Errasti Diaz 2022). This variant is absent from the Genome Aggregation Database (v2.1.1), indicating it is not a common polymorphism. This variant disrupts the canonical splice donor site of intron 4, and functional studies show the variant causes altered splicing and leads to decreased RNA (Errasti Diaz 2022). Based on available information, this variant is considered to be pathogenic. References: Errasti Diaz S et al. A Novel Splicing Mutation in the ACVRL1/ALK1 Gene as a Cause of HHT2. J Clin Med. 2022 May 28;11(11):3053. PMID: 35683441.

Labcorp Genetics (formerly Invitae), Labcorp
Classification: Pathogenic for Telangiectasia, hereditary hemorrhagic, type 2. Last evaluated: 2022-08-10. Review status: criteria provided, single submitter. Criteria: Invitae Variant Classification Sherloc (09022015). Collection method: clinical testing. Allele origin: germline.
Comment: For these reasons, this variant has been classified as Pathogenic. Algorithms developed to predict the effect of sequence changes on RNA splicing suggest that this variant may disrupt the consensus splice site. ClinVar contains an entry for this variant (Variation ID: 1076534). Disruption of this splice site has been observed in individuals with hereditary hemorrhagic telangiectasia (PMID: 21158752, 24196379). This variant is not present in population databases (gnomAD no frequency). This sequence change affects a donor splice site in intron 4 of the ACVRL1 gene. It is expected to disrupt RNA splicing. Variants that disrupt the donor or acceptor splice site typically lead to a loss of protein function (PMID: 16199547), and loss-of-function variants in ACVRL1 are known to be pathogenic (PMID: 15879500).

Blueprint Genetics
Classification: Likely pathogenic for ACVRL1-related disorders. Last evaluated: 2020-03-06. Review status: criteria provided, single submitter. Criteria: ACMG Guidelines, 2015. Collection method: clinical testing. Allele origin: germline. Affected: yes. Observed: 1 variant allele.

Literature cited by the submitters: PubMed 35683441 (cited by Ambry Genetics); PubMed 21158752 (cited by Labcorp Genetics (formerly Invitae), Labcorp); PubMed 24196379 (cited by Labcorp Genetics (formerly Invitae), Labcorp); PubMed 16199547 (cited by Labcorp Genetics (formerly Invitae), Labcorp); PubMed 15879500 (cited by Labcorp Genetics (formerly Invitae), Labcorp).

NM_000020.3(ACVRL1):c.525+1G>T

Gene: ACVRL1 (activin A receptor like type 1; plus strand). Cytogenetic location: 12q13.13.
Variant type: single nucleotide variant.
Coding change: c.525+1G>T on transcript NM_000020.3 (MANE Select); the canonical splice donor site of the intron after coding-DNA position 525, G replaced by T.
Molecular consequence: splice donor variant. On other transcripts: intron variant (6).
Genome position (GRCh38, 1-based): chr12:51,913,771, G>T. VCF-style: chr12-51913771-G-T. GRCh37 (hg19) VCF-style: chr12-52307555-G-T.
Other names: c.525+1G>T (NM_001406487.1, NM_001406488.1, NM_001077401.2 and 2 more transcripts); c.313+421G>T (NM_001406491.1, NM_001406490.1, NM_001406492.1 and 2 more transcripts); c.62-668G>T (NM_001406495.1).
Identifiers: ClinVar variation 1076534 (VCV001076534.13), dbSNP rs1555152710, ClinGen allele CA384899375.